The following is an entry in ClinVar:

NM_006912.6(RIT1):c.50G>A (p.Gly17Glu)

Gene: RIT1 (Ras like without CAAX 1; minus strand). Cytogenetic location: 1q22.
Variant type: single nucleotide variant.
Coding change: c.50G>A on transcript NM_006912.6 (MANE Select); coding-DNA position 50, G replaced by A.
Protein change: p.Gly17Glu; replaces glycine 17 with glutamic acid.
Molecular consequence: missense variant. On other transcripts: intron variant (1).
Genome position (GRCh38, 1-based): chr1:155,910,712, C>T on the plus strand (G>A on the coding strand, the complement: RIT1 is on the minus strand). VCF-style: chr1-155910712-C-T. GRCh37 (hg19) VCF-style: chr1-155880503-C-T.
Other names: c.101G>A, p.Gly34Glu (NM_001256821.2); c.-2-206G>A (NM_001256820.2); short protein forms G17E, G34E.
Identifiers: ClinVar variation 2826329 (VCV002826329.3), dbSNP rs2527197964, ClinGen allele CA342776381.

ClinVar aggregate classification (germline): Uncertain significance (1 of 4 stars; one submission).

Conditions:
Noonan syndrome 8 (NS8). Identifiers: Orphanet 648, MedGen C3809233, MONDO:0014143, OMIM 615355.

Submission:

Labcorp Genetics (formerly Invitae), Labcorp
Classification: Uncertain significance for Noonan syndrome 8. Last evaluated: 2023-10-14. Review status: criteria provided, single submitter. Criteria: Invitae Variant Classification Sherloc (09022015). Collection method: clinical testing. Allele origin: germline.
Comment: This sequence change replaces glycine, which is neutral and non-polar, with glutamic acid, which is acidic and polar, at codon 17 of the RIT1 protein (p.Gly17Glu). This variant is not present in population databases (gnomAD no frequency). This variant has not been reported in the literature in individuals affected with RIT1-related conditions. Advanced modeling of protein sequence and biophysical properties (such as structural, functional, and spatial information, amino acid conservation, physicochemical variation, residue mobility, and thermodynamic stability) performed at Invitae indicates that this missense variant is not expected to disrupt RIT1 protein function. In summary, the available evidence is currently insufficient to determine the role of this variant in disease. Therefore, it has been classified as a Variant of Uncertain Significance.